The following is an entry in ClinVar:

NM_024757.5(EHMT1):c.749_750delinsG (p.Leu250fs)

Gene: EHMT1 (euchromatic histone lysine methyltransferase 1; plus strand). Cytogenetic location: 9q34.3.
Variant type: Indel.
Coding change: c.749_750delinsG on transcript NM_024757.5 (MANE Select); coding-DNA positions 749 to 750, TA replaced by G.
Protein change: p.Leu250fs; shifts the reading frame from leucine 250.
Molecular consequence: frameshift variant.
Genome position (GRCh38, 1-based): chr9:137,728,455-137,728,456, TA replaced by G. VCF-style: chr9-137728455-TA-G. GRCh37 (hg19) VCF-style: chr9-140622907-TA-G.
Other names: c.749_750delinsG, p.Leu250fs (NM_001145527.2, NM_001354263.2, NM_001354611.2); c.656_657delinsG, p.Leu219fs (NM_001354259.2, NM_001354612.2); short protein forms L250fs, L219fs.
Identifiers: ClinVar variation 1759153 (VCV001759153.2), dbSNP rs2541312035, ClinGen allele CA2580080975.

ClinVar aggregate classification (germline): Pathogenic (1 of 4 stars; one submission).

Conditions:
Inborn genetic diseases. Identifiers: MedGen C0950123, MeSH D030342.

Submission:

Ambry Genetics
Classification: Pathogenic for Inborn genetic diseases. Last evaluated: 2020-03-27. Review status: criteria provided, single submitter. Criteria: Ambry Variant Classification Scheme 2023. Collection method: clinical testing. Allele origin: germline.
Comment: The c.749_750delTAinsG pathogenic mutation, located in coding exon 4 of the EHMT1 gene, results from the deletion of two nucleotides and insertion of one nucleotide at positions 749 to 750, causing a translational frameshift with a predicted alternate stop codon. This alteration is expected to result in loss of function by premature protein truncation or nonsense-mediated mRNA decay. As such, this alteration is interpreted as a disease-causing mutation.